The following is an entry in ClinVar:

NM_015346.4(ZFYVE26):c.2553+1G>T

Gene: ZFYVE26 (zinc finger FYVE-type containing 26; minus strand). Cytogenetic location: 14q24.1.
Variant type: single nucleotide variant.
Coding change: c.2553+1G>T on transcript NM_015346.4 (MANE Select); the canonical splice donor site of the intron after coding-DNA position 2553, G replaced by T.
Molecular consequence: splice donor variant.
Genome position (GRCh38, 1-based): chr14:67,793,607, C>A on the plus strand (G>T on the coding strand, the complement: ZFYVE26 is on the minus strand). VCF-style: chr14-67793607-C-A. GRCh37 (hg19) VCF-style: chr14-68260324-C-A.
Identifiers: ClinVar variation 2783257 (VCV002783257.3), dbSNP rs2502841979, ClinGen allele CA390174194.

ClinVar aggregate classification (germline): Likely pathogenic (1 of 4 stars; one submission).

Conditions:
Spastic paraplegia. Identifiers: MedGen C0037772, HP:0001258.

Allele frequency attached by ClinVar (database versions not stated): gnomAD exomes below 0.00001.
gnomAD v4.1: 3 of 1,613,498 alleles (0.00019%); highest among the groups gnomAD compares: Non-Finnish European, 0.00025%; no homozygotes.

Submission:

Labcorp Genetics (formerly Invitae), Labcorp
Classification: Likely pathogenic for Spastic paraplegia. Last evaluated: 2022-12-21. Review status: criteria provided, single submitter. Criteria: Invitae Variant Classification Sherloc (09022015). Collection method: clinical testing. Allele origin: germline.
Comment: In summary, the currently available evidence indicates that the variant is pathogenic, but additional data are needed to prove that conclusively. Therefore, this variant has been classified as Likely Pathogenic. Algorithms developed to predict the effect of sequence changes on RNA splicing suggest that this variant may disrupt the consensus splice site. This variant has not been reported in the literature in individuals affected with ZFYVE26-related conditions. This variant is not present in population databases (gnomAD no frequency). This sequence change affects a donor splice site in intron 14 of the ZFYVE26 gene. It is expected to disrupt RNA splicing. Variants that disrupt the donor or acceptor splice site typically lead to a loss of protein function (PMID: 16199547), and loss-of-function variants in ZFYVE26 are known to be pathogenic (PMID: 18394578, 19805727).

Literature cited by the submitters: PubMed 16199547; PubMed 18394578; PubMed 19805727.